The following is an entry in ClinVar:

NM_000285.4(PEPD):c.386T>C (p.Val129Ala)

Gene: PEPD (peptidase D; minus strand). Cytogenetic location: 19q13.11.
Variant type: single nucleotide variant.
Coding change: c.386T>C on transcript NM_000285.4 (MANE Select); coding-DNA position 386, T replaced by C.
Protein change: p.Val129Ala; replaces valine 129 with alanine.
Molecular consequence: missense variant. On other transcripts: intron variant (1).
Genome position (GRCh38, 1-based): chr19:33,500,945, A>G on the plus strand (T>C on the coding strand, the complement: PEPD is on the minus strand). VCF-style: chr19-33500945-A-G. GRCh37 (hg19) VCF-style: chr19-33991851-A-G.
Other names: c.386T>C, p.Val129Ala (NM_001166056.2); c.202-7608T>C (NM_001166057.2); short protein forms V129A.
Identifiers: ClinVar variation 1981662 (VCV001981662.4), dbSNP rs1018722092, ClinGen allele CA307557805.

ClinVar aggregate classification (germline): Uncertain significance (1 of 4 stars; one submission).

Submission:

Labcorp Genetics (formerly Invitae), Labcorp
Classification: Uncertain significance. Last evaluated: 2022-04-17. Review status: criteria provided, single submitter. Criteria: Invitae Variant Classification Sherloc (09022015). Collection method: clinical testing. Allele origin: germline.
Comment: This variant is not present in population databases (gnomAD no frequency). This sequence change replaces valine, which is neutral and non-polar, with alanine, which is neutral and non-polar, at codon 129 of the PEPD protein (p.Val129Ala). This variant has not been reported in the literature in individuals affected with PEPD-related conditions. Algorithms developed to predict the effect of missense changes on protein structure and function output the following: SIFT: "Tolerated"; PolyPhen-2: "Benign"; Align-GVGD: "Class C0". The alanine amino acid residue is found in multiple mammalian species, which suggests that this missense change does not adversely affect protein function. Algorithms developed to predict the effect of sequence changes on RNA splicing suggest that this variant may disrupt the consensus splice site. In summary, the available evidence is currently insufficient to determine the role of this variant in disease. Therefore, it has been classified as a Variant of Uncertain Significance.